The following is an entry in ClinVar:

NM_000143.4(FH):c.532_555+7del

Gene: FH (fumarate hydratase; minus strand). Cytogenetic location: 1q43.
Variant type: Deletion.
Coding change: c.532_555+7del on transcript NM_000143.4 (MANE Select); coding-DNA position 532 through 7 bases into the intron after coding-DNA position 555, 31 bases deleted.
Molecular consequence: splice donor variant.
Genome position (GRCh38, 1-based): chr1:241,511,960-241,511,990, 31 bases deleted. GRCh37 (hg19): chr1:241,675,260-241,675,290.
Identifiers: ClinVar variation 1457915 (VCV001457915.6), dbSNP rs2147921728, ClinGen allele CA2573132940.

ClinVar aggregate classification (germline): Pathogenic (1 of 4 stars; one submission).

Submission:

Labcorp Genetics (formerly Invitae), Labcorp
Classification: Pathogenic. Last evaluated: 2021-10-03. Review status: criteria provided, single submitter. Criteria: Invitae Variant Classification Sherloc (09022015). Collection method: clinical testing. Allele origin: germline.
Comment: For these reasons, this variant has been classified as Pathogenic. This variant disrupts a region of the FH protein in which other variant(s) (p.His180Arg) have been determined to be pathogenic (PMID: 11865300, 23320739, 28300276; Invitae). This suggests that this is a clinically significant region of the protein, and that variants that disrupt it are likely to be disease-causing. Algorithms developed to predict the effect of sequence changes on RNA splicing suggest that this variant may disrupt the consensus splice site. This variant has not been reported in the literature in individuals affected with FH-related conditions. This variant is not present in population databases (ExAC no frequency). This variant results in the deletion of part of exon 4 (c.532_555+7del) of the FH gene. It is expected to disrupt RNA splicing. Variants that disrupt the donor or acceptor splice site typically lead to a loss of protein function (PMID: 16199547), and loss-of-function variants in FH are known to be pathogenic (PMID: 11865300, 21398687).

Literature cited by the submitters: PubMed 11865300; PubMed 23320739; PubMed 28300276; PubMed 16199547; PubMed 21398687.